The following is an entry in ClinVar:

NM_004204.5(PIGQ):c.445G>A (p.Asp149Asn)

Gene: PIGQ (phosphatidylinositol glycan anchor biosynthesis class Q; plus strand). Cytogenetic location: 16p13.3.
Variant type: single nucleotide variant.
Coding change: c.445G>A on transcript NM_004204.5 (MANE Select); coding-DNA position 445, G replaced by A.
Protein change: p.Asp149Asn; replaces aspartic acid 149 with asparagine.
Molecular consequence: missense variant.
Genome position (GRCh38, 1-based): chr16:574,519, G>A. VCF-style: chr16-574519-G-A. GRCh37 (hg19) VCF-style: chr16-624519-G-A.
Other names: c.445G>A, p.Asp149Asn (NM_148920.4); short protein forms D149N.
Identifiers: ClinVar variation 842224 (VCV000842224.7), dbSNP rs867573847, ClinGen allele CA276482171.

ClinVar aggregate classification (germline): Uncertain significance. Review status: criteria provided, multiple submitters, no conflicts (2 of 4 stars). 2 submissions from 2 submitters: Uncertain significance (2). Last evaluated 2022-10-08.

Conditions:
Epilepsy. Also called: Seizure disorder. Identifiers: MedGen C0014544, MeSH D004827, MONDO:0005027.

Allele frequency attached by ClinVar (database versions not stated): gnomAD 0.00001; gnomAD exomes 0.00001 and 0.00002; TOPMed 0.00001.
gnomAD v4.1: 19 of 1,607,200 alleles (0.0012%); highest among the groups gnomAD compares: Middle Eastern, 0.13%; no homozygotes.

Submissions (2):

Labcorp Genetics (formerly Invitae), Labcorp
Classification: Uncertain significance for Epilepsy. Last evaluated: 2022-10-08. Review status: criteria provided, single submitter. Criteria: Invitae Variant Classification Sherloc (09022015). Collection method: clinical testing. Allele origin: germline.
Comment: This sequence change replaces aspartic acid, which is acidic and polar, with asparagine, which is neutral and polar, at codon 149 of the PIGQ protein (p.Asp149Asn). This variant is present in population databases (no rsID available, gnomAD 0.01%). This variant has not been reported in the literature in individuals affected with PIGQ-related conditions. ClinVar contains an entry for this variant (Variation ID: 842224). Algorithms developed to predict the effect of missense changes on protein structure and function (SIFT, PolyPhen-2, Align-GVGD) all suggest that this variant is likely to be tolerated. In summary, the available evidence is currently insufficient to determine the role of this variant in disease. Therefore, it has been classified as a Variant of Uncertain Significance.

Breakthrough Genomics
Classification: Uncertain significance. Review status: criteria provided, single submitter. Criteria: ACMG Guidelines, 2015. Collection method: not provided. Allele origin: germline. Inheritance: Autosomal recessive inheritance. Affected: yes.